The following is an entry in ClinVar:

ClinVar aggregate classification (germline): Pathogenic. Review status: criteria provided, single submitter (1 of 4 stars). 2 submissions from 1 submitter: Pathogenic (2). Last evaluated 2021-06-10.

Conditions:
ARID2-related BAFopathy.
Coffin-Siris syndrome 6. Identifiers: MedGen C4540499, MONDO:0033492, OMIM 617808.

Submissions (2):

Baylor Genetics
Classification: Pathogenic for ARID2-related BAFopathy. Last evaluated: 2021-06-10. Review status: criteria provided, single submitter. Criteria: ACMG Guidelines, 2015. Collection method: clinical testing. Allele origin: de novo. Affected: yes.

Baylor Genetics
Classification: Pathogenic for Coffin-Siris syndrome 6. Last evaluated: 2018-06-28. Review status: criteria provided, single submitter. Criteria: ACMG Guidelines, 2015. Collection method: clinical testing. Allele origin: de novo. Affected: yes.
Comment: This variant was determined to be pathogenic according to ACMG Guidelines, 2015 [PMID:25741868].

NM_152641.4(ARID2):c.5026C>T (p.Gln1676Ter)

Gene: ARID2 (AT-rich interaction domain 2; plus strand). Cytogenetic location: 12q12.
Variant type: single nucleotide variant.
Coding change: c.5026C>T on transcript NM_152641.4 (MANE Select); coding-DNA position 5026, C replaced by T.
Protein change: p.Gln1676Ter; replaces glutamine 1676 with a stop codon.
Molecular consequence: nonsense.
Genome position (GRCh38, 1-based): chr12:45,891,883, C>T. VCF-style: chr12-45891883-C-T. GRCh37 (hg19) VCF-style: chr12-46285666-C-T.
Other names: c.5026C>T, p.Gln1676Ter (NM_001347839.2); short protein forms Q1676*.
Identifiers: ClinVar variation 1034327 (VCV001034327.2), dbSNP rs1944306056, ClinGen allele CA384498115.